The following is an entry in ClinVar:

NM_001177693.2(ARHGEF28):c.3533A>G (p.Asn1178Ser)

Gene: ARHGEF28 (Rho guanine nucleotide exchange factor 28; plus strand). Cytogenetic location: 5q13.2.
Variant type: single nucleotide variant.
Coding change: c.3533A>G on transcript NM_001177693.2 (MANE Select); coding-DNA position 3533, A replaced by G.
Protein change: p.Asn1178Ser; replaces asparagine 1178 with serine.
Molecular consequence: missense variant.
Genome position (GRCh38, 1-based): chr5:73,892,197, A>G. VCF-style: chr5-73892197-A-G. GRCh37 (hg19) VCF-style: chr5-73188022-A-G.
Other names: c.3533A>G, p.Asn1178Ser (NM_001080479.3, NM_001388078.1); c.2594A>G, p.Asn865Ser (NM_001244364.2); c.3239A>G, p.Asn1080Ser (NM_001388076.1); short protein forms N1080S, N1178S, N865S.
Identifiers: ClinVar variation 2632031 (VCV002632031.2), dbSNP rs137983167, ClinGen allele CA3305104.

ClinVar aggregate classification (germline): Uncertain significance. Review status: criteria provided, multiple submitters, no conflicts (2 of 4 stars). 2 submissions from 2 submitters: Uncertain significance (2). Last evaluated 2024-10-25.

Conditions:
ARHGEF28-related disorder. Also called: ARHGEF28-related condition.

Allele frequency attached by ClinVar (database versions not stated): TOPMed 0.00046; 1000 Genomes Project 0.00060; 1000 Genomes Project 30x 0.00094; gnomAD exomes 0.00003; ExAC 0.00023; gnomAD 0.00038; ESP Exome Variant Server 0.00041.
gnomAD v4.1: 100 of 1,572,038 alleles (0.0064%); highest among the groups gnomAD compares: African/African-American, 0.11%; no homozygotes.

Submissions (2):

Ambry Genetics
Classification: Uncertain significance. Last evaluated: 2024-10-25. Review status: criteria provided, single submitter. Criteria: Ambry Variant Classification Scheme 2023. Collection method: clinical testing. Allele origin: germline.

PreventionGenetics, part of Exact Sciences
Classification: Uncertain significance for ARHGEF28-related condition. Last evaluated: 2023-05-15. Review status: criteria provided, single submitter. Criteria: ACMG Guidelines, 2015. Collection method: clinical testing. Allele origin: germline.
Comment: The ARHGEF28 c.3533A>G variant is predicted to result in the amino acid substitution p.Asn1178Ser. This variant was reported as uncertain significance in an individual referred for amyotrophic lateral sclerosis/ frontotemporal dementia testing with a negative C9orf72 hexanucleotide repeat result (Table S1, Mesaros et al. 2021. PubMed ID: 35052416). This variant is reported in 0.12% of alleles in individuals of African descent in gnomAD. At this time, the clinical significance of this variant is uncertain due to the absence of conclusive functional and genetic evidence.